The following is an entry in ClinVar:

ClinVar aggregate classification (germline): Uncertain significance (1 of 4 stars; one submission).

Conditions:
Rhabdoid tumor predisposition syndrome 2 (RTPS2). Identifiers: Orphanet 231108, Orphanet 69077, MedGen C2750074, MONDO:0013224, OMIM 613325.

Submission:

Labcorp Genetics (formerly Invitae), Labcorp
Classification: Uncertain significance for Rhabdoid tumor predisposition syndrome 2. Last evaluated: 2025-02-25. Review status: criteria provided, single submitter. Criteria: Invitae Variant Classification Sherloc (09022015). Collection method: clinical testing. Allele origin: germline.
Comment: This sequence change replaces lysine, which is basic and polar, with asparagine, which is neutral and polar, at codon 578 of the SMARCA4 protein (p.Lys578Asn). This variant is not present in population databases (gnomAD no frequency). This variant has not been reported in the literature in individuals affected with SMARCA4-related conditions. Invitae Evidence Modeling of protein sequence and biophysical properties (such as structural, functional, and spatial information, amino acid conservation, physicochemical variation, residue mobility, and thermodynamic stability) has been performed for this missense variant. However, the output from this modeling did not meet the statistical confidence thresholds required to predict the impact of this variant on SMARCA4 protein function. In summary, the available evidence is currently insufficient to determine the role of this variant in disease. Therefore, it has been classified as a Variant of Uncertain Significance.

NM_003072.5(SMARCA4):c.1734G>T (p.Lys578Asn)

Gene: SMARCA4 (SWI/SNF related BAF chromatin remodeling complex subunit ATPase 4; plus strand). Cytogenetic location: 19p13.2.
Variant type: single nucleotide variant.
Coding change: c.1734G>T on transcript NM_003072.5 (MANE Select); coding-DNA position 1734, G replaced by T.
Protein change: p.Lys578Asn; replaces lysine 578 with asparagine.
Molecular consequence: missense variant. On other transcripts: non-coding transcript variant (1).
Genome position (GRCh38, 1-based): chr19:10,996,353, G>T. VCF-style: chr19-10996353-G-T. GRCh37 (hg19) VCF-style: chr19-11107029-G-T.
Other names: c.1734G>T, p.Lys578Asn (NM_001128844.3, NM_001128845.2, NM_001128846.2 and 6 more transcripts); short protein forms K578N.
Identifiers: ClinVar variation 4802557 (VCV004802557.1).
Genomic context (GRCh38, chr19:10,996,353, plus strand): 5'-CGAGTACGTGGCTAACCTCACGGAGCTGGTGCGGCAGCACAAGGCTGCCCAGGTCGCCAA[G>T]GAGAAAAAGAAGAAAAAGAAAAAGAAGGTGTGCTGGGCCTGGCATGGTGCCCGCCGCGGG-3'
Protein context (NP_003063.2, residues 568-588): VRQHKAAQVA[Lys578Asn]EKKKKKKKKK